The following is an entry in ClinVar:

ClinVar aggregate classification (germline): Likely pathogenic. Review status: reviewed by expert panel (3 of 4 stars). 3 submissions from 3 submitters: Likely pathogenic (1). 2 of the submissions do not count toward it. Last evaluated 2026-01-20.

Conditions:
Bernard Soulier syndrome (BSS). Also called: GLYCOPROTEIN Ib, PLATELET, DEFICIENCY OF; PLATELET GLYCOPROTEIN Ib DEFICIENCY; VON WILLEBRAND FACTOR RECEPTOR DEFICIENCY; Giant platelet syndrome; Hemorrhagiparous thrombocytic dystrophy; Giant platelet disease. Identifiers: Orphanet 274, MedGen C0005129, MeSH D001606, MONDO:0009276, OMIM 231200.

Submissions (3):

ClinGen Platelet Disorders Variant Curation Expert Panel, ClinGen
Classification: Likely pathogenic for Bernard Soulier syndrome. Last evaluated: 2026-01-20. Review status: reviewed by expert panel. Criteria: ClinGen Platelet ACMG Specifications GP9 V1.0.0. Collection method: curation. Allele origin: germline. Inheritance: Autosomal recessive inheritance.
Comment: The c.442dup (p.Val148GlyfsTer67) variant in GP9 is a frameshift variant that may cause a premature stop codon that is predicted to escape nonsense mediated decay, however the truncation includes the functionally important transmembrane domain (alters amino acids 148-169) in a gene where loss-of-function is an established disease mechanism (PVS1_Strong). At least one patient (Patient P13 in PMID: 21173099) with this variant had aggregation absent for ristocetin and present for all other agonists as well as less than 10% expression of GPIba and GP9 measured by flow cytometry, which is highly specific for Bernard-Soulier syndrome. Additionally, the patient had excessive mucocutaneous bleeding is consistent with Bernard-Soulier syndrome (PP4). The Grpmax Filtering allele frequency in gnomAD v4.1.0 is 0.0000003000 (based on 2/1165574 alleles) in the European (non-Finnish) population, which is lower than the ClinGen PD VCEP threshold (<0.0000329; PM2_Supporting). In summary, this variant meets the criteria to be classified as Likely Pathogenic for autosomal recessive Bernard-Soulier syndrome based on the ACMG/AMP criteria applied, as specified by the ClinGen PD VCEP: PVS1_Strong, PP4, PM3_Supporting and PM2_Supporting (VCEP specifications version 1).

Labcorp Genetics (formerly Invitae), Labcorp
Classification: Uncertain significance. Last evaluated: 2024-03-19. Review status: criteria provided, single submitter. Criteria: Invitae Variant Classification Sherloc (09022015). Collection method: clinical testing. Allele origin: germline. Not counted in ClinVar's aggregate classification.
Comment: This sequence change results in a frameshift in the GP9 gene (p.Val148Glyfs*67). While this is not anticipated to result in nonsense mediated decay, it is expected to disrupt the last 30 amino acid(s) of the GP9 protein and extend the protein by 36 additional amino acid residues. This variant is present in population databases (no rsID available, gnomAD 0.001%). This frameshift has been observed in individual(s) with Bernard-Soulier syndrome (PMID: 21173099). Experimental studies and prediction algorithms are not available or were not evaluated, and the functional significance of this variant is currently unknown. In summary, the available evidence is currently insufficient to determine the role of this variant in disease. Therefore, it has been classified as a Variant of Uncertain Significance.

Fulgent Genetics
Classification: Pathogenic for Bernard Soulier syndrome. Last evaluated: 2024-02-14. Review status: criteria provided, single submitter. Criteria: ACMG Guidelines, 2015. Collection method: clinical testing. Allele origin: germline. Not counted in ClinVar's aggregate classification.

Literature cited by the submitters: PubMed 21173099 (cited by Labcorp Genetics (formerly Invitae), Labcorp).

NM_000174.5(GP9):c.442dup (p.Val148fs)

Gene: GP9 (glycoprotein IX platelet; plus strand). Cytogenetic location: 3q21.3.
Variant type: Duplication.
Coding change: c.442dup on transcript NM_000174.5 (MANE Select); coding-DNA position 442, one base duplicated (G; older notation c.442dupG).
Protein change: p.Val148fs; shifts the reading frame from valine 148.
Molecular consequence: frameshift variant.
Genome position (GRCh38, 1-based): chr3:129,062,181, G duplicated; the last of 5 consecutive G bases (chr3:129,062,177-129,062,181); duplicating any one gives the same sequence. VCF-style (leftmost placement, unchanged base first): chr3-129062176-C-CG. GRCh37 (hg19) VCF-style: chr3-128781019-C-CG.
Other names: NM_000174.5(GP9):c.442dup; p.Val148fs; short protein forms V148fs.
Identifiers: ClinVar variation 3588372 (VCV003588372.4).